The following is an entry in ClinVar:

ClinVar aggregate classification (germline): Uncertain significance (1 of 4 stars; one submission).

Allele frequency attached by ClinVar (database versions not stated): TOPMed below 0.00001; gnomAD exomes below 0.00001.
gnomAD v4.1: 2 of 1,614,234 alleles (0.00012%); highest among the groups gnomAD compares: Admixed American, 0.0033%; no homozygotes.

Submission:

Labcorp Genetics (formerly Invitae), Labcorp
Classification: Uncertain significance. Last evaluated: 2024-10-29. Review status: criteria provided, single submitter. Criteria: Invitae Variant Classification Sherloc (09022015). Collection method: clinical testing. Allele origin: germline.
Comment: This sequence change replaces arginine, which is basic and polar, with threonine, which is neutral and polar, at codon 793 of the SLCO5A1 protein (p.Arg793Thr). This variant is present in population databases (no rsID available, gnomAD 0.003%). This variant has not been reported in the literature in individuals affected with SLCO5A1-related conditions. ClinVar contains an entry for this variant (Variation ID: 1375514). An algorithm developed to predict the effect of missense changes on protein structure and function outputs the following: PolyPhen-2: "Benign". The threonine amino acid residue is found in multiple mammalian species, which suggests that this missense change does not adversely affect protein function. In summary, the available evidence is currently insufficient to determine the role of this variant in disease. Therefore, it has been classified as a Variant of Uncertain Significance.

NM_030958.3(SLCO5A1):c.2378G>C (p.Arg793Thr)

Gene: SLCO5A1 (solute carrier organic anion transporter family member 5A1; minus strand). Cytogenetic location: 8q13.3.
Variant type: single nucleotide variant.
Coding change: c.2378G>C on transcript NM_030958.3 (MANE Select); coding-DNA position 2378, G replaced by C.
Protein change: p.Arg793Thr; replaces arginine 793 with threonine.
Molecular consequence: missense variant. On other transcripts: 3 prime UTR variant (1).
Genome position (GRCh38, 1-based): chr8:69,673,038, C>G on the plus strand (G>C on the coding strand, the complement: SLCO5A1 is on the minus strand). VCF-style: chr8-69673038-C-G. GRCh37 (hg19) VCF-style: chr8-70585273-C-G.
Other names: c.*249G>C (NM_001146008.2); c.2213G>C, p.Arg738Thr (NM_001146009.1); short protein forms R738T, R793T.
Identifiers: ClinVar variation 1375514 (VCV001375514.6), dbSNP rs937581729, ClinGen allele CA371232069.